The following is an entry in ClinVar:

ClinVar aggregate classification (germline): Uncertain significance. Review status: criteria provided, multiple submitters, no conflicts (2 of 4 stars). 2 submissions from 2 submitters: Uncertain significance (2). Last evaluated 2025-02-19.

Conditions:
Inborn genetic diseases. Identifiers: MedGen C0950123, MeSH D030342.

Allele frequency attached by ClinVar (database versions not stated): gnomAD 0.00001 and 0.00002; gnomAD exomes 0.00001 and 0.00002; ExAC 0.00002; ESP Exome Variant Server 0.00015; 1000 Genomes Project 0.00020; 1000 Genomes Project 30x 0.00031.
gnomAD v4.1: 15 of 1,613,112 alleles (0.00093%); highest among the groups gnomAD compares: Admixed American, 0.02%; no homozygotes.

Submissions (2):

Ambry Genetics
Classification: Uncertain significance for Inborn genetic diseases. Last evaluated: 2025-02-19. Review status: criteria provided, single submitter. Criteria: Ambry Variant Classification Scheme 2023. Collection method: clinical testing. Allele origin: germline.

Labcorp Genetics (formerly Invitae), Labcorp
Classification: Uncertain significance. Last evaluated: 2023-08-17. Review status: criteria provided, single submitter. Criteria: Invitae Variant Classification Sherloc (09022015). Collection method: clinical testing. Allele origin: germline.
Comment: In summary, the available evidence is currently insufficient to determine the role of this variant in disease. Therefore, it has been classified as a Variant of Uncertain Significance. Advanced modeling of protein sequence and biophysical properties (such as structural, functional, and spatial information, amino acid conservation, physicochemical variation, residue mobility, and thermodynamic stability) performed at Invitae indicates that this missense variant is not expected to disrupt PLAA protein function. ClinVar contains an entry for this variant (Variation ID: 1390298). This variant has not been reported in the literature in individuals affected with PLAA-related conditions. This variant is present in population databases (rs140755075, gnomAD 0.02%). This sequence change replaces glutamic acid, which is acidic and polar, with valine, which is neutral and non-polar, at codon 301 of the PLAA protein (p.Glu301Val).

NM_001031689.3(PLAA):c.902A>T (p.Glu301Val)

Gene: PLAA (phospholipase A2 activating protein; minus strand). Cytogenetic location: 9p21.2.
Variant type: single nucleotide variant.
Coding change: c.902A>T on transcript NM_001031689.3 (MANE Select); coding-DNA position 902, A replaced by T.
Protein change: p.Glu301Val; replaces glutamic acid 301 with valine.
Molecular consequence: missense variant.
Genome position (GRCh38, 1-based): chr9:26,923,315, T>A on the plus strand (A>T on the coding strand, the complement: PLAA is on the minus strand). VCF-style: chr9-26923315-T-A. GRCh37 (hg19) VCF-style: chr9-26923313-T-A.
Other names: c.902A>T, p.Glu301Val (NM_001321546.2); c.902A>T (NM_001031689.2); short protein forms E301V.
Identifiers: ClinVar variation 1390298 (VCV001390298.5), dbSNP rs140755075, ClinGen allele CA5014515.